The following is an entry in ClinVar:

ClinVar aggregate classification (germline): Likely benign (1 of 4 stars; one submission).

Allele frequency attached by ClinVar (database versions not stated): gnomAD exomes 0.00001; gnomAD 0.00003; TOPMed 0.00003 and 0.00002; ExAC 0.00001.
gnomAD v4.1: 24 of 1,612,824 alleles (0.0015%); highest among the groups gnomAD compares: Non-Finnish European, 0.0019%; no homozygotes.

Submission:

GeneDx
Classification: Likely benign. Last evaluated: 2016-11-14. Review status: criteria provided, single submitter. Criteria: GeneDx Variant Classification (06012015). Collection method: clinical testing. Allele origin: germline. Affected: yes.
Comment: This variant is considered likely benign or benign based on one or more of the following criteria: it is a conservative change, it occurs at a poorly conserved position in the protein, it is predicted to be benign by multiple in silico algorithms, and/or has population frequency not consistent with disease.

NM_177559.3(CSNK2A1):c.6G>A (p.Ser2=)

Gene: CSNK2A1 (casein kinase 2 alpha 1; minus strand). Cytogenetic location: 20p13.
Variant type: single nucleotide variant.
Coding change: c.6G>A on transcript NM_177559.3 (MANE Select); coding-DNA position 6, G replaced by A.
Protein change: p.Ser2=; no amino-acid change (serine 2 retained).
Molecular consequence: synonymous variant. On other transcripts: intron variant (1).
Genome position (GRCh38, 1-based): chr20:508,546, C>T on the plus strand (G>A on the coding strand, the complement: CSNK2A1 is on the minus strand). VCF-style: chr20-508546-C-T. GRCh37 (hg19) VCF-style: chr20-489190-C-T.
Other names: c.6G>A, p.Ser2= (NM_001362770.2, NM_001362771.2, NM_001895.4); c.-307-3317G>A (NM_177560.3).
Identifiers: ClinVar variation 390679 (VCV000390679.1), dbSNP rs773390884, ClinGen allele CA9724096.
Genomic context (GRCh38, chr20:508,546, plus strand): 5'-TTCTCGAGGTCTGTGTGTATTAACATCTGTGTAAACTCTGGCCCTGCTTGGCACGGGTCC[C>T]GACATGTCAGACAGGTTGGCGGACAAAGCTGGACTTGATGTTTGGAGATCTGGCAGTCAC-3'
Protein context (NP_808227.1, residues 1-12): M[Ser2=]GPVPSRARVY